The following is an entry in ClinVar:

ClinVar aggregate classification (germline): Uncertain significance (1 of 4 stars; one submission).

Submission:

GeneDx
Classification: Uncertain significance. Last evaluated: 2018-05-04. Review status: criteria provided, single submitter. Criteria: GeneDx Variant Classification (06012015). Collection method: clinical testing. Allele origin: germline. Affected: yes.
Comment: The c.3660_3661delAT variant in the CHD4 gene has not been reported previously as a pathogenic variant nor as a benign variant, to our knowledge. The c.3660_3661delAT variant causes a frameshift starting with codon Lysine 1220, changes this amino acid to a Asparagine residue, and creates a premature Stop codon at position 4 of the new reading frame, denoted p.Lys1220AsnfsX4. This variant is predicted to cause loss of normal protein function either through protein truncation or nonsense-mediated mRNA decay. The c.3660_3661delAT variant is not observed in large population cohorts (Lek et al., 2016; 1000 Genomes Consortium et al., 2015; Exome Variant Server). We interpret c.3660_3661delAT as a variant of uncertain significance.

NM_001273.5(CHD4):c.3660_3661del (p.Lys1220fs)

Gene: CHD4 (chromodomain helicase DNA binding protein 4; minus strand). Cytogenetic location: 12p13.31.
Variant type: Deletion.
Coding change: c.3660_3661del on transcript NM_001273.5 (MANE Select); coding-DNA positions 3660 to 3661, 2 bases deleted (AT; older notation c.3660_3661delAT).
Protein change: p.Lys1220fs; shifts the reading frame from lysine 1220.
Molecular consequence: frameshift variant.
Genome position (GRCh38, 1-based): chr12:6,587,754-6,587,755, AT deleted on the plus strand (AT on the coding strand, the reverse complement: CHD4 is on the minus strand). VCF-style (leftmost placement, unchanged base first): chr12-6587753-AAT-A. GRCh37 (hg19) VCF-style: chr12-6696919-AAT-A.
Other names: c.3639_3640del, p.Lys1213fs (NM_001297553.2); c.3621_3622del, p.Lys1207fs (NM_001363606.2); short protein forms K1220fs, K1207fs, K1213fs.
Identifiers: ClinVar variation 424279 (VCV000424279.2), dbSNP rs1064796896, ClinGen allele CA16619581.